The following is an entry in ClinVar:

NM_005422.4(TECTA):c.4690-15T>C

Genes: TBCEL-TECTA (TBCEL-TECTA readthrough; plus strand), TECTA (tectorin alpha; plus strand). Cytogenetic location: 11q23.3.
Variant type: single nucleotide variant.
Coding change: c.4690-15T>C on transcript NM_005422.4 (MANE Select); 15 bases into the intron before coding-DNA position 4690, T replaced by C.
Molecular consequence: intron variant.
Genome position (GRCh38, 1-based): chr11:121,160,120, T>C. VCF-style: chr11-121160120-T-C. GRCh37 (hg19) VCF-style: chr11-121030829-T-C.
Other names: c.5647-15T>C (NM_001378761.1).
Identifiers: ClinVar variation 179688 (VCV000179688.5), dbSNP rs727505055, ClinGen allele CA184939.

ClinVar aggregate classification (germline): Likely benign (1 of 4 stars; one submission).

Submission:

Laboratory for Molecular Medicine, Mass General Brigham Personalized Medicine
Classification: Likely benign. Last evaluated: 2014-03-21. Review status: criteria provided, single submitter. Criteria: LMM Criteria. Collection method: clinical testing. Allele origin: germline. Observed: 1 variant allele.
Comment: 4690-15T>C in intron 13 of TECTA: This variant is not expected to have clinical significance because a T>C change at this position does not diverge from the spl ice consensus sequence and therefore, is unlikely to impact splicing.